The following is an entry in ClinVar:

NM_000548.5(TSC2):c.1926C>T (p.Pro642=)

Gene: TSC2 (TSC complex subunit 2; plus strand). Cytogenetic location: 16p13.3.
Variant type: single nucleotide variant.
Coding change: c.1926C>T on transcript NM_000548.5 (MANE Select); coding-DNA position 1926, C replaced by T.
Protein change: p.Pro642=; no amino-acid change (proline 642 retained).
Molecular consequence: synonymous variant.
Genome position (GRCh38, 1-based): chr16:2,071,596, C>T. VCF-style: chr16-2071596-C-T. GRCh37 (hg19) VCF-style: chr16-2121597-C-T.
Other names: c.1926C>T, p.Pro642= (NM_001077183.3, NM_001114382.3, NM_001363528.2 and 3 more transcripts); c.1815C>T, p.Pro605= (NM_001318827.2); c.1779C>T, p.Pro593= (NM_001318829.2); c.1326C>T, p.Pro442= (NM_001318831.2); c.1959C>T, p.Pro653= (NM_001318832.2).
Identifiers: ClinVar variation 1668837 (VCV001668837.34), dbSNP rs778765636, ClinGen allele CA492950358.
Genomic context (GRCh38, chr16:2,071,596, plus strand): 5'-GGCCGACTCACTGCACCGCCTGGGCCTGCCCAACAAGGATGGAGTCGTGCGGTTCAGCCC[C>T]TACTGCGTCTGCGACTACATGTACGCGGGACCTCGCCCACGGCCCATGAGGCTCAGGGCG-3'
Protein context (NP_000539.2, residues 632-652): PNKDGVVRFS[Pro642=]YCVCDYMEPE

ClinVar aggregate classification (germline): Likely benign. Review status: criteria provided, multiple submitters, no conflicts (2 of 4 stars). 3 submissions from 3 submitters: Likely benign (3). Last evaluated 2026-01-13.

Conditions:
Hereditary cancer-predisposing syndrome. Also called: Hereditary Cancer Syndrome; Neoplastic Syndromes, Hereditary; Hereditary neoplastic syndrome; Tumor predisposition. Identifiers: Orphanet 140162, MedGen C0027672, MeSH D009386, MONDO:0015356.
Tuberous sclerosis 2 (TSC2). Identifiers: Orphanet 805, MedGen C1860707, MONDO:0013199, OMIM 613254.

gnomAD v4.1: 1 of 1,613,460 alleles (0.000062%); highest among the groups gnomAD compares: South Asian, 0.0011%; no homozygotes.

Submissions (3):

Labcorp Genetics (formerly Invitae), Labcorp
Classification: Likely benign for Tuberous sclerosis 2. Last evaluated: 2026-01-13. Review status: criteria provided, single submitter. Criteria: Invitae Variant Classification Sherloc (09022015). Collection method: clinical testing. Allele origin: germline.

CeGaT Center for Human Genetics Tuebingen
Classification: Likely benign. Last evaluated: 2022-03-01. Review status: criteria provided, single submitter. Criteria: CeGaT Center For Human Genetics Tuebingen Variant Classification Criteria Version 2. Collection method: clinical testing. Allele origin: germline. Affected: yes. Observed: 1 variant allele.
Comment: TSC2: BP4, BP7

Ambry Genetics
Classification: Likely benign for Hereditary cancer-predisposing syndrome. Last evaluated: 2021-06-28. Review status: criteria provided, single submitter. Criteria: Ambry Variant Classification Scheme 2023. Collection method: clinical testing. Allele origin: germline.